The following is an entry in ClinVar:

ClinVar aggregate classification (germline): Uncertain significance (1 of 4 stars; one submission).

Conditions:
Baller-Gerold syndrome (BGS). Also called: CRANIOSYNOSTOSIS WITH RADIAL DEFECTS. Identifiers: Orphanet 1225, MedGen C0265308, MONDO:0009039, OMIM 218600.

Allele frequency attached by ClinVar (database versions not stated): ExAC 0.00001; gnomAD exomes 0.00001 and 0.00002.

Submission:

Labcorp Genetics (formerly Invitae), Labcorp
Classification: Uncertain significance for Baller-Gerold syndrome. Last evaluated: 2022-04-02. Review status: criteria provided, single submitter. Criteria: Invitae Variant Classification Sherloc (09022015). Collection method: clinical testing. Allele origin: germline.
Comment: In summary, the available evidence is currently insufficient to determine the role of this variant in disease. Therefore, it has been classified as a Variant of Uncertain Significance. Experimental studies and prediction algorithms are not available or were not evaluated, and the functional significance of this variant is currently unknown. This variant has not been reported in the literature in individuals affected with RECQL4-related conditions. This variant is present in population databases (rs763547531, gnomAD 0.01%). This sequence change replaces lysine, which is basic and polar, with asparagine, which is neutral and polar, at codon 991 of the RECQL4 protein (p.Lys991Asn).

NM_004260.4(RECQL4):c.2973G>C (p.Lys991Asn)

Gene: RECQL4 (RecQ like helicase 4; minus strand). Cytogenetic location: 8q24.3.
Variant type: single nucleotide variant.
Coding change: c.2973G>C on transcript NM_004260.4 (MANE Select); coding-DNA position 2973, G replaced by C.
Protein change: p.Lys991Asn; replaces lysine 991 with asparagine.
Molecular consequence: missense variant.
Genome position (GRCh38, 1-based): chr8:144,512,474, C>G on the plus strand (G>C on the coding strand, the complement: RECQL4 is on the minus strand). VCF-style: chr8-144512474-C-G. GRCh37 (hg19) VCF-style: chr8-145737857-C-G.
Other names: short protein forms K991N.
Identifiers: ClinVar variation 1415392 (VCV001415392.5), dbSNP rs763547531, ClinGen allele CA4947986.
Genomic context (GRCh38, chr8:144,512,474, plus strand): 5'-CTGCAGCTGGCAGAGAGCCCGCCGCACAGAGGCCAGCTCCCAGCCCATGGAGTCCACCAG[C>G]TTGACCATGTCAAACTCCACGGAGCTGCTGCCTTGCCCTGGGTCCTCAGGCAGCTGCTGG-3'
Protein context (NP_004251.4, residues 981-1001): GSSSVEFDMV[Lys991Asn]LVDSMGWELA